The following is an entry in ClinVar:

ClinVar aggregate classification (germline): Benign/Likely benign. Review status: criteria provided, multiple submitters, no conflicts (2 of 4 stars). 4 submissions from 4 submitters: Benign (1); Likely benign (3). Last evaluated 2025-08-02.

Conditions:
Rubinstein-Taybi syndrome due to CREBBP mutations (RSTS1). Also called: RUBINSTEIN-TAYBI SYNDROME 1, INCOMPLETE; BROAD THUMB-HALLUX SYNDROME; RUBINSTEIN SYNDROME; BROAD THUMBS AND GREAT TOES, CHARACTERISTIC FACIES, AND IMPAIRED INTELLECTUAL DEVELOPMENT; Rubinstein-Taybi syndrome 1; CREBBP-Related Rubinstein-Taybi Syndrome. Identifiers: Orphanet 353277, Orphanet 783, MedGen C4551859, MONDO:0008393, OMIM 180849.
Menke-Hennekam syndrome 1 (MKHK1). Identifiers: MedGen C5193034, MONDO:0020763, OMIM 618332.
Rubinstein-Taybi syndrome (RSTS). Identifiers: Orphanet 783, MedGen C0035934, MONDO:0019188.

Allele frequency attached by ClinVar (database versions not stated): gnomAD exomes 0.00040 and 0.00021; ExAC 0.00044; gnomAD below 0.00001 and 0.00009; TOPMed 0.00001; 1000 Genomes Project 30x 0.00031; 1000 Genomes Project 0.00040.
gnomAD v4.1: 312 of 1,614,200 alleles (0.019%); highest among the groups gnomAD compares: South Asian, 0.32%; 3 homozygotes.

Submissions (4):

Labcorp Genetics (formerly Invitae), Labcorp
Classification: Benign for Rubinstein-Taybi syndrome. Last evaluated: 2025-08-02. Review status: criteria provided, single submitter. Criteria: Invitae Variant Classification Sherloc (09022015). Collection method: clinical testing. Allele origin: germline.

Blueprint Genetics
Classification: Likely benign. Last evaluated: 2024-09-30. Review status: criteria provided, single submitter. Criteria: ACMG Guidelines, 2015. Collection method: clinical testing. Allele origin: germline.

CeGaT Center for Human Genetics Tuebingen
Classification: Likely benign. Last evaluated: 2023-09-01. Review status: criteria provided, single submitter. Criteria: CeGaT Center For Human Genetics Tuebingen Variant Classification Criteria Version 2. Collection method: clinical testing. Allele origin: germline. Affected: yes. Observed: 1 variant allele.
Comment: CREBBP: BP4, BP7

Fulgent Genetics
Classification: Likely benign for Rubinstein-Taybi syndrome due to CREBBP mutations; Menke-Hennekam syndrome 1. Last evaluated: 2022-03-31. Review status: criteria provided, single submitter. Criteria: ACMG Guidelines, 2015. Collection method: clinical testing. Allele origin: unknown.

NM_004380.3(CREBBP):c.1095T>C (p.His365=)

Gene: CREBBP (CREB binding lysine acetyltransferase; minus strand). Cytogenetic location: 16p13.3.
Variant type: single nucleotide variant.
Coding change: c.1095T>C on transcript NM_004380.3 (MANE Select); coding-DNA position 1095, T replaced by C.
Protein change: p.His365=; no amino-acid change (histidine 365 retained).
Molecular consequence: synonymous variant.
Genome position (GRCh38, 1-based): chr16:3,793,507, A>G on the plus strand (T>C on the coding strand, the complement: CREBBP is on the minus strand). VCF-style: chr16-3793507-A-G. GRCh37 (hg19) VCF-style: chr16-3843508-A-G.
Other names: c.1095T>C, p.His365= (NM_001079846.1).
Identifiers: ClinVar variation 706144 (VCV000706144.34), dbSNP rs565069106, ClinGen allele CA7870513.